The following is an entry in ClinVar:

ClinVar aggregate classification (germline): Uncertain significance (1 of 4 stars; one submission).

Conditions:
Curry-Hall syndrome (WAD). Also called: WEYERS ACRODENTAL DYSOSTOSIS. Identifiers: Orphanet 952, MedGen C0457013, MONDO:0008673, OMIM 193530.
Ellis-van Creveld syndrome (EVC). Also called: EVC-Related Ellis-van Creveld Syndrome; EVC2-Related Ellis-van Creveld Syndrome; MESOECTODERMAL DYSPLASIA; Chondroectodermal dysplasia. Identifiers: Orphanet 289, MedGen C0013903, MONDO:0009162, OMIM 225500.

gnomAD v4.1: 2 of 1,614,024 alleles (0.00012%); highest among the groups gnomAD compares: Admixed American, 0.0017%; no homozygotes.

Submission:

Labcorp Genetics (formerly Invitae), Labcorp
Classification: Uncertain significance for Curry-Hall syndrome; Ellis-van Creveld syndrome. Last evaluated: 2024-10-27. Review status: criteria provided, single submitter. Criteria: Invitae Variant Classification Sherloc (09022015). Collection method: clinical testing. Allele origin: germline.
Comment: This sequence change replaces arginine, which is basic and polar, with proline, which is neutral and non-polar, at codon 874 of the EVC2 protein (p.Arg874Pro). The frequency data for this variant in the population databases is considered unreliable, as metrics indicate poor data quality at this position in the gnomAD database. This variant has not been reported in the literature in individuals affected with EVC2-related conditions. An algorithm developed to predict the effect of missense changes on protein structure and function (PolyPhen-2) suggests that this variant is likely to be disruptive. In summary, the available evidence is currently insufficient to determine the role of this variant in disease. Therefore, it has been classified as a Variant of Uncertain Significance.

NM_147127.5(EVC2):c.2621G>C (p.Arg874Pro)

Gene: EVC2 (EvC ciliary complex subunit 2; minus strand). Cytogenetic location: 4p16.2.
Variant type: single nucleotide variant.
Coding change: c.2621G>C on transcript NM_147127.5 (MANE Select); coding-DNA position 2621, G replaced by C.
Protein change: p.Arg874Pro; replaces arginine 874 with proline.
Molecular consequence: missense variant.
Genome position (GRCh38, 1-based): chr4:5,618,563, C>G on the plus strand (G>C on the coding strand, the complement: EVC2 is on the minus strand). VCF-style: chr4-5618563-C-G. GRCh37 (hg19) VCF-style: chr4-5620290-C-G.
Other names: c.2381G>C, p.Arg794Pro (NM_001166136.2); short protein forms R794P, R874P.
Identifiers: ClinVar variation 3760637 (VCV003760637.2).